The following is an entry in ClinVar:

ClinVar aggregate classification (germline): Uncertain significance (1 of 4 stars; one submission).

Conditions:
Hereditary cancer-predisposing syndrome. Also called: Tumor predisposition; Hereditary neoplastic syndrome; Hereditary Cancer Syndrome; Neoplastic Syndromes, Hereditary. Identifiers: Orphanet 140162, MedGen C0027672, MeSH D009386, MONDO:0015356.

Submission:

Ambry Genetics
Classification: Uncertain significance for Hereditary cancer-predisposing syndrome. Last evaluated: 2023-12-21. Review status: criteria provided, single submitter. Criteria: Ambry Variant Classification Scheme 2023. Collection method: clinical testing. Allele origin: germline.
Comment: The p.Q62H variant (also known as c.186G>T), located in coding exon 2 of the NTHL1 gene, results from a G to T substitution at nucleotide position 186. The glutamine at codon 62 is replaced by histidine, an amino acid with highly similar properties. This amino acid position is conserved. In addition, this alteration is predicted to be tolerated by in silico analysis. Since supporting evidence is limited at this time, the clinical significance of this alteration remains unclear.

NM_002528.7(NTHL1):c.162G>T (p.Gln54His)

Gene: NTHL1 (nth like DNA glycosylase 1; minus strand). Cytogenetic location: 16p13.3.
Variant type: single nucleotide variant.
Coding change: c.162G>T on transcript NM_002528.7 (MANE Select); coding-DNA position 162, G replaced by T.
Protein change: p.Gln54His; replaces glutamine 54 with histidine.
Molecular consequence: missense variant. On other transcripts: 5 prime UTR variant (1).
Genome position (GRCh38, 1-based): chr16:2,046,320, C>A on the plus strand (G>T on the coding strand, the complement: NTHL1 is on the minus strand). VCF-style: chr16-2046320-C-A. GRCh37 (hg19) VCF-style: chr16-2096321-C-A.
Other names: c.162G>T, p.Gln54His (NM_001318193.2); c.-17G>T (NM_001318194.2); short protein forms Q54H.
Identifiers: ClinVar variation 3222660 (VCV003222660.1), dbSNP rs2548321314, ClinGen allele CA394297921.